The following is an entry in ClinVar:

NM_001267550.2(TTN):c.49235C>G (p.Ala16412Gly)

Genes: TTN (titin; minus strand), TTN-AS1 (TTN antisense RNA 1; plus strand), LOC126806426 (BRD4-independent group 4 enhancer GRCh37_chr2:179478848-179480047; plus strand). Cytogenetic location: 2q31.2.
Variant type: single nucleotide variant.
Coding change: c.49235C>G on transcript NM_001267550.2 (MANE Select); coding-DNA position 49235, C replaced by G.
Protein change: p.Ala16412Gly; replaces alanine 16412 with glycine.
Molecular consequence: missense variant. On other transcripts: non-coding transcript variant (1).
Genome position (GRCh38, 1-based): chr2:178,614,162, G>C on the plus strand (C>G on the coding strand, the complement: TTN is on the minus strand). VCF-style: chr2-178614162-G-C. GRCh37 (hg19) VCF-style: chr2-179478889-G-C.
Other names: c.44312C>G, p.Ala14771Gly (NM_001256850.1); c.22040C>G, p.Ala7347Gly (NM_003319.4); c.41531C>G, p.Ala13844Gly (NM_133378.4); c.22415C>G, p.Ala7472Gly (NM_133432.3); c.22616C>G, p.Ala7539Gly (NM_133437.4); short protein forms A13844G, A14771G, A16412G, A7347G, A7472G, A7539G.
Identifiers: ClinVar variation 1192283 (VCV001192283.1), dbSNP rs746659077, ClinGen allele CA1994647.
Genomic context (GRCh38, chr2:178,614,162, plus strand): 5'-CCATACATGTTTTCTGCAGCAACTCTGAAGATGTACTCTTTATTGGGGATTAATTTGGTG[G>C]CCTTGAAGTTTGTATCCTTGACGGTGGATGAGAGCTTGTGCCACACTTCACTATCAGTTG-3'
Protein context (NP_001254479.2, residues 16402-16422): SSTVKDTNFK[Ala16412Gly]TKLIPNKEYI

ClinVar aggregate classification (germline): Uncertain significance (1 of 4 stars; one submission).

Allele frequency attached by ClinVar (database versions not stated): gnomAD 0.00003.
gnomAD v4.1: 18 of 1,612,290 alleles (0.0011%); highest among the groups gnomAD compares: Non-Finnish European, 0.00034%; no homozygotes.

Submission:

Women's Health and Genetics/Laboratory Corporation of America, LabCorp
Classification: Uncertain significance. Last evaluated: 2021-07-19. Review status: criteria provided, single submitter. Criteria: LabCorp Variant Classification Summary - May 2015. Collection method: clinical testing. Allele origin: germline.
Comment: Variant summary: TTN c.41531C>G (p.Ala13844Gly) results in a non-conservative amino acid change located in the A-band of the encoded protein sequence. Four of five in-silico tools predict a damaging effect of the variant on protein function. The variant allele was found at a frequency of 2.8e-05 in 247382 control chromosomes (gnomAD). The available data on variant occurrences in the general population are insufficient to allow any conclusion about variant significance. To our knowledge, no occurrence of c.41531C>G in individuals affected with Dilated Cardiomyopathy and no experimental evidence demonstrating its impact on protein function have been reported. No clinical diagnostic laboratories have submitted clinical-significance assessments for this variant to ClinVar after 2014. Based on the evidence outlined above, the variant was classified as uncertain significance.